The following is an entry in ClinVar:

ClinVar aggregate classification (germline): Uncertain significance. Review status: criteria provided, multiple submitters, no conflicts (2 of 4 stars). 3 submissions from 3 submitters: Uncertain significance (3). Last evaluated 2025-11-26.

Conditions:
Inborn genetic diseases. Identifiers: MedGen C0950123, MeSH D030342.
Medium-chain acyl-coenzyme A dehydrogenase deficiency (ACADMD). Also called: Medium chain acyl-CoA dehydrogenase deficiency; ACADM DEFICIENCY; CARNITINE DEFICIENCY SECONDARY TO MEDIUM-CHAIN ACYL-CoA DEHYDROGENASE DEFICIENCY; MCAD Deficiency; MCADH DEFICIENCY; MCADD. Identifiers: Orphanet 42, MedGen C0220710, MONDO:0008721, OMIM 201450.

Allele frequency attached by ClinVar (database versions not stated): gnomAD exomes below 0.00001; gnomAD 0.00001; ExAC 0.00002.
gnomAD v4.1: 7 of 1,613,436 alleles (0.00043%); highest among the groups gnomAD compares: South Asian, 0.0011%; no homozygotes.

Submissions (3):

Ambry Genetics
Classification: Uncertain significance for Inborn genetic diseases. Last evaluated: 2025-11-26. Review status: criteria provided, single submitter. Criteria: Ambry Variant Classification Scheme 2023. Collection method: clinical testing. Allele origin: germline.

Women's Health and Genetics/Laboratory Corporation of America, LabCorp
Classification: Uncertain significance. Last evaluated: 2024-09-20. Review status: criteria provided, single submitter. Criteria: LabCorp Variant Classification Summary - May 2015. Collection method: clinical testing. Allele origin: germline.
Comment: Variant summary: ACADM c.83A>G (p.Asn28Ser) results in a conservative amino acid change in the encoded protein sequence. Five of five in-silico tools predict a benign effect of the variant on protein function. The variant allele was found at a frequency of 1.2e-05 in 251424 control chromosomes. The available data on variant occurrences in the general population are insufficient to allow any conclusion about variant significance. To our knowledge, no occurrence of c.83A>G in individuals affected with Medium Chain Acyl-CoA Dehydrogenase Deficiency and no experimental evidence demonstrating its impact on protein function have been reported. ClinVar contains an entry for this variant (Variation ID: 2888497). Based on the evidence outlined above, the variant was classified as uncertain significance.

Labcorp Genetics (formerly Invitae), Labcorp
Classification: Uncertain significance for Medium-chain acyl-coenzyme A dehydrogenase deficiency. Last evaluated: 2023-09-30. Review status: criteria provided, single submitter. Criteria: Invitae Variant Classification Sherloc (09022015). Collection method: clinical testing. Allele origin: germline.
Comment: In summary, the available evidence is currently insufficient to determine the role of this variant in disease. Therefore, it has been classified as a Variant of Uncertain Significance. Advanced modeling of protein sequence and biophysical properties (such as structural, functional, and spatial information, amino acid conservation, physicochemical variation, residue mobility, and thermodynamic stability) performed at Invitae indicates that this missense variant is not expected to disrupt ACADM protein function. This variant has not been reported in the literature in individuals affected with ACADM-related conditions. This variant is present in population databases (rs778035007, gnomAD 0.003%). This sequence change replaces asparagine, which is neutral and polar, with serine, which is neutral and polar, at codon 28 of the ACADM protein (p.Asn28Ser).

NM_000016.6(ACADM):c.83A>G (p.Asn28Ser)

Gene: ACADM (acyl-CoA dehydrogenase medium chain; plus strand). Cytogenetic location: 1p31.1.
Variant type: single nucleotide variant.
Coding change: c.83A>G on transcript NM_000016.6 (MANE Select); coding-DNA position 83, A replaced by G.
Protein change: p.Asn28Ser; replaces asparagine 28 with serine.
Molecular consequence: missense variant. On other transcripts: intron variant (2).
Genome position (GRCh38, 1-based): chr1:75,728,453, A>G. VCF-style: chr1-75728453-A-G. GRCh37 (hg19) VCF-style: chr1-76194138-A-G.
Other names: c.83A>G (NM_000016.4); c.95A>G, p.Asn32Ser (NM_001127328.3); c.83A>G, p.Asn28Ser (NM_001286043.2); c.10+3636A>G (NM_001286042.2); c.-268+3636A>G (NM_001286044.2); short protein forms N32S, N28S.
Identifiers: ClinVar variation 2888497 (VCV002888497.3), dbSNP rs778035007, ClinGen allele CA912937.